The following is an entry in ClinVar:

ClinVar aggregate classification (germline): Uncertain significance (1 of 4 stars; one submission).

Conditions:
Hereditary cancer-predisposing syndrome. Also called: Neoplastic Syndromes, Hereditary; Tumor predisposition; Hereditary neoplastic syndrome; Hereditary Cancer Syndrome. Identifiers: Orphanet 140162, MedGen C0027672, MeSH D009386, MONDO:0015356.

Submission:

Ambry Genetics
Classification: Uncertain significance for Hereditary cancer-predisposing syndrome. Last evaluated: 2022-11-04. Review status: criteria provided, single submitter. Criteria: Ambry Variant Classification Scheme 2023. Collection method: clinical testing. Allele origin: germline.
Comment: The p.L792V variant (also known as c.2374C>G), located in coding exon 17 of the MSH3 gene, results from a C to G substitution at nucleotide position 2374. The leucine at codon 792 is replaced by valine, an amino acid with highly similar properties. This amino acid position is conserved. In addition, the in silico prediction for this alteration is inconclusive. Since supporting evidence is limited at this time, the clinical significance of this alteration remains unclear.

NM_002439.5(MSH3):c.2374C>G (p.Leu792Val)

Gene: MSH3 (mutS homolog 3; plus strand). Cytogenetic location: 5q14.1.
Variant type: single nucleotide variant.
Coding change: c.2374C>G on transcript NM_002439.5 (MANE Select); coding-DNA position 2374, C replaced by G.
Protein change: p.Leu792Val; replaces leucine 792 with valine.
Molecular consequence: missense variant.
Genome position (GRCh38, 1-based): chr5:80,778,775, C>G. VCF-style: chr5-80778775-C-G. GRCh37 (hg19) VCF-style: chr5-80074594-C-G.
Other names: short protein forms L792V.
Identifiers: ClinVar variation 2451033 (VCV002451033.2), dbSNP rs961327841, ClinGen allele CA360281814.